The following is an entry in ClinVar:

ClinVar aggregate classification (germline): Likely benign (1 of 4 stars; one submission).

Allele frequency attached by ClinVar (database versions not stated): ExAC 0.00114.

Submission:

CeGaT Center for Human Genetics Tuebingen
Classification: Likely benign. Last evaluated: 2024-10-01. Review status: criteria provided, single submitter. Criteria: CeGaT Center For Human Genetics Tuebingen Variant Classification Criteria Version 2. Collection method: clinical testing. Allele origin: germline. Affected: yes. Observed: 2 variant alleles.
Comment: PDPR: BP4

NM_017990.5(PDPR):c.1867+3dup

Gene: PDPR (pyruvate dehydrogenase phosphatase regulatory subunit; plus strand). Cytogenetic location: 16q22.1.
Variant type: Duplication.
Coding change: c.1867+3dup on transcript NM_017990.5 (MANE Select); 3 bases into the intron after coding-DNA position 1867, one base duplicated (A; older notation c.1867+3dupA).
Molecular consequence: intron variant.
Genome position (GRCh38, 1-based): chr16:70,144,536, A duplicated. VCF-style (leftmost placement, unchanged base first): chr16-70144535-T-TA. GRCh37 (hg19) VCF-style: chr16-70178438-T-TA.
Other names: c.1867+3dup (NM_001322117.1); c.661+3dup (NM_001322119.1); c.1567+3dup (NM_001322118.1).
Identifiers: ClinVar variation 2646676 (VCV002646676.24), dbSNP rs745672064, ClinGen allele CA8139477.
Genomic context (GRCh38, chr16:70,144,535, plus strand): 5'-GAAACACATGCCGAAAGACAGCAACCTGCTCCTGGAGGACGTCACCTGGAAGTACACAGG[T>TA]ACGGGGGTTCGGGCTCTGCCACGTCGAAAAGGCCAGCAGATGCAGATGTGTCCACGTTTG-3'